The following is an entry in ClinVar:

NM_004187.5(KDM5C):c.*132C>G

Gene: KDM5C (lysine demethylase 5C; minus strand). Cytogenetic location: Xp11.22.
Variant type: single nucleotide variant.
Coding change: c.*132C>G on transcript NM_004187.5 (MANE Select); 132 bases downstream of the stop codon, C replaced by G.
Molecular consequence: 3 prime UTR variant. On other transcripts: missense variant (1), intron variant (4).
Genome position (GRCh38, 1-based): chrX:53,192,835, G>C on the plus strand (C>G on the coding strand, the complement: KDM5C is on the minus strand). VCF-style: chrX-53192835-G-C. GRCh37 (hg19) VCF-style: chrX-53222017-G-C.
Other names: c.4049C>G, p.Pro1350Arg (NM_001146702.2); c.*132C>G (NM_001282622.3, NM_001353978.3); c.4305+602C>G (NM_001353982.2); c.4314+602C>G (NM_001353979.2); c.4308+602C>G (NM_001353981.2, NM_001353984.2); short protein forms P1350R.
Identifiers: ClinVar variation 134590 (VCV000134590.1), dbSNP rs781910906, ClinGen allele CA160276.

ClinVar aggregate classification (germline): not provided (0 of 4 stars; one submission).

Allele frequency attached by ClinVar (database versions not stated): gnomAD 0.00035 and 0.00040; 1000 Genomes Project 30x 0.00042; TOPMed 0.00099.
gnomAD v4.1: 66 of 1,091,199 alleles (0.006%); highest among the groups gnomAD compares: Admixed American, 0.15%; 1 homozygote.

Submission:

ITMI
No classification provided. Condition: AllHighlyPenetrant. Last evaluated: 2013-09-19. Review status: no classification provided. Collection method: reference population. Allele origin: germline.
Comment: Please see associated publication for description of ethnicities

Literature cited by the submitters: PubMed 24728327.